The following is an entry in ClinVar:

NM_004517.4(ILK):c.862G>A (p.Val288Ile)

Genes: ILK (integrin linked kinase; plus strand), TAF10 (TATA-box binding protein associated factor 10; minus strand). Cytogenetic location: 11p15.4.
Variant type: single nucleotide variant.
Coding change: c.862G>A on transcript NM_004517.4 (MANE Select); coding-DNA position 862, G replaced by A.
Protein change: p.Val288Ile; replaces valine 288 with isoleucine.
Molecular consequence: missense variant. On other transcripts: 3 prime UTR variant (1).
Genome position (GRCh38, 1-based): chr11:6,609,729, G>A. VCF-style: chr11-6609729-G-A. GRCh37 (hg19) VCF-style: chr11-6630960-G-A.
Other names: c.862G>A, p.Val288Ile (NM_001014794.3, NM_001014795.3); c.679G>A, p.Val227Ile (NM_001278441.2); c.460G>A, p.Val154Ile (NM_001278442.2); c.*1193C>T (NM_006284.4); short protein forms V154I, V288I, V227I.
Identifiers: ClinVar variation 1418246 (VCV001418246.10), dbSNP rs377702962, ClinGen allele CA5858213.

ClinVar aggregate classification (germline): Uncertain significance. Review status: criteria provided, multiple submitters, no conflicts (2 of 4 stars). 2 submissions from 2 submitters: Uncertain significance (2). Last evaluated 2025-02-23.

Conditions:
Primary familial hypertrophic cardiomyopathy (HCM). Identifiers: Orphanet 99739, MedGen C0949658, MeSH D024741, MONDO:0024573. Inheritance: Various modes of inheritance.

Allele frequency attached by ClinVar (database versions not stated): ExAC 0.00002; gnomAD exomes 0.00002 and 0.00003; gnomAD 0.00003 and 0.00004; TOPMed 0.00003; ESP Exome Variant Server 0.00008.

Submissions (2):

Ambry Genetics
Classification: Uncertain significance. Last evaluated: 2025-02-23. Review status: criteria provided, single submitter. Criteria: Ambry Variant Classification Scheme 2023. Collection method: clinical testing. Allele origin: germline.
Comment: The p.V288I variant (also known as c.862G>A), located in coding exon 9 of the ILK gene, results from a G to A substitution at nucleotide position 862. The valine at codon 288 is replaced by isoleucine, an amino acid with highly similar properties. This amino acid position is conserved. In addition, the in silico prediction for this alteration is inconclusive. Since supporting evidence is limited at this time, the clinical significance of this alteration remains unclear.

Labcorp Genetics (formerly Invitae), Labcorp
Classification: Uncertain significance for Primary familial hypertrophic cardiomyopathy. Last evaluated: 2024-08-06. Review status: criteria provided, single submitter. Criteria: Invitae Variant Classification Sherloc (09022015). Collection method: clinical testing. Allele origin: germline.
Comment: This sequence change replaces valine, which is neutral and non-polar, with isoleucine, which is neutral and non-polar, at codon 288 of the ILK protein (p.Val288Ile). This variant is present in population databases (rs377702962, gnomAD 0.01%). This variant has not been reported in the literature in individuals affected with ILK-related conditions. ClinVar contains an entry for this variant (Variation ID: 1418246). An algorithm developed to predict the effect of missense changes on protein structure and function (PolyPhen-2) suggests that this variant is likely to be tolerated. In summary, the available evidence is currently insufficient to determine the role of this variant in disease. Therefore, it has been classified as a Variant of Uncertain Significance.